The following is an entry in ClinVar:

ClinVar aggregate classification (germline): Likely pathogenic (1 of 4 stars; one submission).

Conditions:
Neurodevelopmental disorder with microcephaly, arthrogryposis, and structural brain anomalies. Identifiers: Orphanet 664923, MedGen C5231431, MONDO:0032838, OMIM 618622.

Submission:

Molecular Genetics Department, Kulakov National Medical Research Center for Obstetrics, Gynecology and Perinatology
Classification: Likely pathogenic for Neurodevelopmental disorder with microcephaly, arthrogryposis, and structural brain anomalies. Review status: criteria provided, single submitter. Criteria: ACMG Guidelines, 2015. Collection method: clinical testing. Allele origin: maternal. Affected: yes.
Comment: A previously undescribed nucleotide variant creates a frameshift p.Leu107ProfsTer32 in the SMPD4 gene. Homozygous and compound heetrozygous variants are reported in patients with Neurodevelopmental disorder with microcephaly, arthrogryposis, and structural brain anomalies, 618622. The variant is not present in population database (gnomAD no frequency). In summary, the currently available evidence indicates that the variant is pathogenic, but additional data are needed to prove that conclusively. Therefore, this variant has been classified as likely pathogenic.

NM_017951.5(SMPD4):c.202dup (p.Leu68fs)

Gene: SMPD4 (sphingomyelin phosphodiesterase 4; minus strand). Cytogenetic location: 2q21.1.
Variant type: Duplication.
Coding change: c.202dup on transcript NM_017951.5 (MANE Select); coding-DNA position 202, one base duplicated (C; older notation c.202dupC).
Protein change: p.Leu68fs; shifts the reading frame from leucine 68.
Molecular consequence: frameshift variant. On other transcripts: non-coding transcript variant (1), intron variant (1).
Genome position (GRCh38, 1-based): chr2:130,173,581, G duplicated on the plus strand (C on the coding strand, the reverse complement: SMPD4 is on the minus strand); the first of 2 consecutive G bases (chr2:130,173,581-130,173,582); duplicating either gives the same sequence. VCF-style (leftmost placement, unchanged base first): chr2-130173580-A-AG. GRCh37 (hg19) VCF-style: chr2-130931153-A-AG.
Other names: c.319dup, p.Leu107fs (NM_017751.4); c.244-686dup (NM_001171083.2); short protein forms L107fs, L68fs.
Identifiers: ClinVar variation 3062306 (VCV003062306.1), dbSNP rs2467301101, ClinGen allele CA2740095688.